The following is an entry in ClinVar:

ClinVar aggregate classification (germline): Conflicting classifications of pathogenicity. Review status: criteria provided, conflicting classifications (1 of 4 stars). 3 submissions from 3 submitters: Pathogenic (1); Likely pathogenic (1); Uncertain significance (1). Last evaluated 2025-01-10.

Conditions:
Hypertrophic cardiomyopathy. Also called: HYPERTROPHIC MYOCARDIOPATHY. Identifiers: Orphanet 217569, MedGen C0007194, MeSH D002312, MONDO:0005045, HP:0001639.

Submissions (3):

Labcorp Genetics (formerly Invitae), Labcorp
Classification: Pathogenic for Hypertrophic cardiomyopathy. Last evaluated: 2025-01-10. Review status: criteria provided, single submitter. Criteria: Invitae Variant Classification Sherloc (09022015). Collection method: clinical testing. Allele origin: germline.
Comment: This sequence change replaces isoleucine, which is neutral and non-polar, with threonine, which is neutral and polar, at codon 524 of the MYH7 protein (p.Ile524Thr). This variant is not present in population databases (gnomAD no frequency). This missense change has been observed in individuals with dilated cardiomyopathy and/or left ventricular noncompaction (external communication, internal data). ClinVar contains an entry for this variant (Variation ID: 181408). Invitae Evidence Modeling of protein sequence and biophysical properties (such as structural, functional, and spatial information, amino acid conservation, physicochemical variation, residue mobility, and thermodynamic stability) indicates that this missense variant is expected to disrupt MYH7 protein function with a positive predictive value of 95%. This variant disrupts the p.Ile524 amino acid residue in MYH7. Other variant(s) that disrupt this residue have been determined to be pathogenic (internal data). This suggests that this residue is clinically significant, and that variants that disrupt this residue are likely to be disease-causing. For these reasons, this variant has been classified as Pathogenic.

Blueprint Genetics
Classification: Uncertain significance. Last evaluated: 2020-06-09. Review status: criteria provided, single submitter. Criteria: ACMG Guidelines, 2015. Collection method: clinical testing. Allele origin: germline.

GeneDx
Classification: Likely pathogenic. Last evaluated: 2014-09-25. Review status: criteria provided, single submitter. Criteria: GeneDx Variant Classification (06012015). Collection method: clinical testing. Allele origin: germline. Affected: yes.
Comment: p.Ile524Thr (ATC>ACC): c.1571 T>C in exon 15 of the MYH7 gene (NM_000257.2). A I524T variant that is likely pathogenic was identified in the MYH7 gene. It has not been published as a mutation, nor has it been reported as a benign polymorphism to our knowledge. The I524T variant was not observed in approximately 6,500 individuals of European and African American ancestry in the NHLBI Exome Sequencing Project, indicating it is not a common benign variant in these populations. The I524T variant is a non-conservative amino acid substitution, which is likely to impact secondary protein structure as these residues differ in polarity, charge, size and/or other properties. Additionally, this substitution occurs at a position that is conserved across species and in silico analysis predicts this variant is probably damaging to the protein structure/function. Furthermore, missense mutations in nearby residues (M515T, M515R, D516E, L517M, E525K, G529D, M531R, S532P) have been reported in association with cardiomyopathy, supporting the functional importance of this region of the protein. Therefore, this variant is a strong candidate for a pathogenic mutation, however the possibility that it is a benign variant cannot be excluded. The variant is found in CARDIOMYOPATHY panel(s).

NM_000257.4(MYH7):c.1571T>C (p.Ile524Thr)

Gene: MYH7 (myosin heavy chain 7; minus strand). Cytogenetic location: 14q11.2.
Variant type: single nucleotide variant.
Coding change: c.1571T>C on transcript NM_000257.4 (MANE Select); coding-DNA position 1571, T replaced by C.
Protein change: p.Ile524Thr; replaces isoleucine 524 with threonine.
Molecular consequence: missense variant.
Genome position (GRCh38, 1-based): chr14:23,428,507, A>G on the plus strand (T>C on the coding strand, the complement: MYH7 is on the minus strand). VCF-style: chr14-23428507-A-G. GRCh37 (hg19) VCF-style: chr14-23897716-A-G.
Other names: p.I524T:ATC>ACC; c.1571T>C (LRG_384t1); short protein forms I524T.
Identifiers: ClinVar variation 181408 (VCV000181408.9), dbSNP rs730880929, ClinGen allele CA010973.